The following is an entry in ClinVar:

NM_032444.4(SLX4):c.254A>G (p.Gln85Arg)

Gene: SLX4 (SLX4 structure-specific endonuclease subunit; minus strand). Cytogenetic location: 16p13.3.
Variant type: single nucleotide variant.
Coding change: c.254A>G on transcript NM_032444.4 (MANE Select); coding-DNA position 254, A replaced by G.
Protein change: p.Gln85Arg; replaces glutamine 85 with arginine.
Molecular consequence: missense variant.
Genome position (GRCh38, 1-based): chr16:3,608,711, T>C on the plus strand (A>G on the coding strand, the complement: SLX4 is on the minus strand). VCF-style: chr16-3608711-T-C. GRCh37 (hg19) VCF-style: chr16-3658712-T-C.
Other names: c.254A>G (LRG_503t1); short protein forms Q85R.
Identifiers: ClinVar variation 241671 (VCV000241671.8), dbSNP rs878855160, ClinGen allele CA10583395.
Genomic context (GRCh38, chr16:3,608,711, plus strand): 5'-CCTTGAAGGGTTTTGGTCTTGGTAGCAGTTTGTTTGGTCCTTTTCAATTTGCTTCTTATC[T>C]GAGTGCCGTTTGAGGCAGCCTTTTGTGTCTTCCTTTCTCCTGACACTTCCTTGATTCCAT-3'
Protein context (NP_115820.2, residues 75-95): KTQKAASNGT[Gln85Arg]IRSKLKRTKQ

ClinVar aggregate classification (germline): Uncertain significance (1 of 4 stars; one submission).

Conditions:
Fanconi anemia (FA). Also called: Fanconi's anemia. Identifiers: Orphanet 84, MedGen C0015625, MeSH D005199, MONDO:0019391.

Allele frequency attached by ClinVar (database versions not stated): gnomAD exomes below 0.00001.
gnomAD v4.1: 1 of 1,614,264 alleles (0.000062%); no homozygotes.

Submission:

Labcorp Genetics (formerly Invitae), Labcorp
Classification: Uncertain significance for Fanconi anemia. Last evaluated: 2016-03-19. Review status: criteria provided, single submitter. Criteria: Invitae Variant Classification Sherloc (09022015). Collection method: clinical testing. Allele origin: germline.
Comment: In summary, this variant is a novel missense change with uncertain impact on protein function. It has been classified as a Variant of Uncertain Significance. Algorithms developed to predict the effect of missense changes on protein structure and function do not agree on the potential impact of this missense change (SIFT: "Deleterious"; PolyPhen-2: "Benign"; Align-GVGD: "Class C0"). This variant is not present in population databases (ExAC no frequency) and has not been reported in the literature in individuals with a SLX4-related disease. This sequence change replaces glutamine with arginine at codon 85 of the SLX4 protein (p.Gln85Arg). The glutamine residue is weakly conserved and there is a small physicochemical difference between glutamine and arginine.